The following is an entry in ClinVar:

ClinVar aggregate classification (germline): Uncertain significance (1 of 4 stars; one submission).

gnomAD v4.1: 3 of 1,595,666 alleles (0.00019%); highest among the groups gnomAD compares: Non-Finnish European, 0.00026%; no homozygotes.

Submission:

Labcorp Genetics (formerly Invitae), Labcorp
Classification: Uncertain significance. Last evaluated: 2024-02-03. Review status: criteria provided, single submitter. Criteria: Invitae Variant Classification Sherloc (09022015). Collection method: clinical testing. Allele origin: germline.
Comment: This sequence change replaces serine, which is neutral and polar, with proline, which is neutral and non-polar, at codon 59 of the RXYLT1 protein (p.Ser59Pro). This variant is not present in population databases (gnomAD no frequency). This variant has not been reported in the literature in individuals affected with RXYLT1-related conditions. Advanced modeling of protein sequence and biophysical properties (such as structural, functional, and spatial information, amino acid conservation, physicochemical variation, residue mobility, and thermodynamic stability) performed at Invitae indicates that this missense variant is not expected to disrupt RXYLT1 protein function with a negative predictive value of 80%. In summary, the available evidence is currently insufficient to determine the role of this variant in disease. Therefore, it has been classified as a Variant of Uncertain Significance.

NM_014254.3(RXYLT1):c.175T>C (p.Ser59Pro)

Gene: RXYLT1 (ribitol xylosyltransferase 1; plus strand). Cytogenetic location: 12q14.2.
Variant type: single nucleotide variant.
Coding change: c.175T>C on transcript NM_014254.3 (MANE Select); coding-DNA position 175, T replaced by C.
Protein change: p.Ser59Pro; replaces serine 59 with proline.
Molecular consequence: missense variant. On other transcripts: 5 prime UTR variant (1).
Genome position (GRCh38, 1-based): chr12:63,781,024, T>C. VCF-style: chr12-63781024-T-C. GRCh37 (hg19) VCF-style: chr12-64174804-T-C.
Other names: c.-606T>C (NM_001278237.2); short protein forms S59P.
Identifiers: ClinVar variation 3686996 (VCV003686996.2).